The following is an entry in ClinVar:

NM_001854.4(COL11A1):c.3526C>G (p.Gln1176Glu)

Gene: COL11A1 (collagen type XI alpha 1 chain; minus strand). Cytogenetic location: 1p21.1.
Variant type: single nucleotide variant.
Coding change: c.3526C>G on transcript NM_001854.4 (MANE Select); coding-DNA position 3526, C replaced by G.
Protein change: p.Gln1176Glu; replaces glutamine 1176 with glutamic acid.
Molecular consequence: missense variant. On other transcripts: non-coding transcript variant (1).
Genome position (GRCh38, 1-based): chr1:102,934,523, G>C on the plus strand (C>G on the coding strand, the complement: COL11A1 is on the minus strand). VCF-style: chr1-102934523-G-C. GRCh37 (hg19) VCF-style: chr1-103400079-G-C.
Other names: c.3178C>G, p.Gln1060Glu (NM_001168249.1, NM_080630.4); c.3409C>G, p.Gln1137Glu (NM_001190709.2); c.3562C>G, p.Gln1188Glu (NM_080629.3); short protein forms Q1060E, Q1176E, Q1188E, Q1137E.
Identifiers: ClinVar variation 2053847 (VCV002053847.4), dbSNP rs2524688370, ClinGen allele CA341167635.

ClinVar aggregate classification (germline): Uncertain significance (1 of 4 stars; one submission).

Submission:

Labcorp Genetics (formerly Invitae), Labcorp
Classification: Uncertain significance. Last evaluated: 2025-04-14. Review status: criteria provided, single submitter. Criteria: Invitae Variant Classification Sherloc (09022015). Collection method: clinical testing. Allele origin: germline.
Comment: This sequence change replaces glutamine, which is neutral and polar, with glutamic acid, which is acidic and polar, at codon 1176 of the COL11A1 protein (p.Gln1176Glu). This variant is not present in population databases (gnomAD no frequency). This variant has not been reported in the literature in individuals affected with COL11A1-related conditions. ClinVar contains an entry for this variant (Variation ID: 2053847). Invitae Evidence Modeling of protein sequence and biophysical properties (such as structural, functional, and spatial information, amino acid conservation, physicochemical variation, residue mobility, and thermodynamic stability) indicates that this missense variant is expected to disrupt COL11A1 protein function with a positive predictive value of 80%. In summary, the available evidence is currently insufficient to determine the role of this variant in disease. Therefore, it has been classified as a Variant of Uncertain Significance.